The following is an entry in ClinVar:

ClinVar aggregate classification (germline): Uncertain significance (1 of 4 stars; one submission).

Conditions:
Cardiovascular phenotype. Identifiers: MedGen CN230736.

Submission:

Ambry Genetics
Classification: Uncertain significance for Cardiovascular phenotype. Last evaluated: 2021-07-07. Review status: criteria provided, single submitter. Criteria: Ambry Variant Classification Scheme 2023. Collection method: clinical testing. Allele origin: germline.
Comment: The p.C95Y variant (also known as c.284G>A), located in coding exon 2 of the ACVRL1 gene, results from a G to A substitution at nucleotide position 284. The cysteine at codon 95 is replaced by tyrosine, an amino acid with highly dissimilar properties. This amino acid position is highly conserved in available vertebrate species. In addition, this alteration is predicted to be deleterious by in silico analysis. Since supporting evidence is limited at this time, the clinical significance of this alteration remains unclear.

NM_000020.3(ACVRL1):c.284G>A (p.Cys95Tyr)

Gene: ACVRL1 (activin A receptor like type 1; plus strand). Cytogenetic location: 12q13.13.
Variant type: single nucleotide variant.
Coding change: c.284G>A on transcript NM_000020.3 (MANE Select); coding-DNA position 284, G replaced by A.
Protein change: p.Cys95Tyr; replaces cysteine 95 with tyrosine.
Molecular consequence: missense variant.
Genome position (GRCh38, 1-based): chr12:51,913,321, G>A. VCF-style: chr12-51913321-G-A. GRCh37 (hg19) VCF-style: chr12-52307105-G-A.
Other names: c.284G>A, p.Cys95Tyr (NM_001406488.1, NM_001406489.1, NM_001406490.1 and 6 more transcripts); short protein forms C95Y.
Identifiers: ClinVar variation 1796817 (VCV001796817.2), dbSNP rs2540159152, ClinGen allele CA384898077.